The following is an entry in ClinVar:

NM_001382.4(DPAGT1):c.283-5C>T

Gene: DPAGT1 (dolichyl-phosphate N-acetylglucosaminephosphotransferase 1; minus strand). Cytogenetic location: 11q23.3.
Variant type: single nucleotide variant.
Coding change: c.283-5C>T on transcript NM_001382.4 (MANE Select); 5 bases into the intron before coding-DNA position 283, C replaced by T.
Molecular consequence: intron variant.
Genome position (GRCh38, 1-based): chr11:119,100,848, G>A on the plus strand (C>T on the coding strand, the complement: DPAGT1 is on the minus strand). VCF-style: chr11-119100848-G-A. GRCh37 (hg19) VCF-style: chr11-118971558-G-A.
Other names: c.283-5C>T (NM_001382.3).
Identifiers: ClinVar variation 2933178 (VCV002933178.4), dbSNP rs368462048, ClinGen allele CA6314661.

ClinVar aggregate classification (germline): Likely benign. Review status: criteria provided, multiple submitters, no conflicts (2 of 4 stars). 2 submissions from 2 submitters: Likely benign (2). Last evaluated 2025-02-11.

Conditions:
DPAGT1-congenital disorder of glycosylation. Also called: DPAGT1-CDG; CONGENITAL DISORDER OF GLYCOSYLATION, TYPE Ij; CDG Ij. Identifiers: Orphanet 86309, MedGen C2931004, MONDO:0011964, OMIM 608093.
Congenital myasthenic syndrome 13 (CMS13). Also called: Myasthenic syndrome, congenital, 13, with tubular aggregates; Myasthenic syndrome, congenital, with tubular aggregates 2. Identifiers: Orphanet 353327, Orphanet 590, MedGen C3553645, MONDO:0013883, OMIM 614750.
DPAGT1-related disorder. Also called: DPAGT1-related condition.

Allele frequency attached by ClinVar (database versions not stated): gnomAD exomes 0.00001; ExAC 0.00002; TOPMed 0.00006; gnomAD 0.00007; ESP Exome Variant Server 0.00008; 1000 Genomes Project 30x 0.00016; 1000 Genomes Project 0.00020.
gnomAD v4.1: 15 of 1,614,152 alleles (0.00093%); highest among the groups gnomAD compares: African/African-American, 0.017%; no homozygotes.

Submissions (2):

PreventionGenetics, part of Exact Sciences
Classification: Likely benign for DPAGT1-related condition. Last evaluated: 2025-02-11. Review status: criteria provided, single submitter. Criteria: ACMG Guidelines, 2015. Collection method: clinical testing. Allele origin: germline.
Comment: This variant is classified as likely benign based on ACMG/AMP sequence variant interpretation guidelines (Richards et al. 2015 PMID: 25741868, with internal and published modifications).

Labcorp Genetics (formerly Invitae), Labcorp
Classification: Likely benign for Congenital myasthenic syndrome 13; DPAGT1-congenital disorder of glycosylation. Last evaluated: 2023-05-16. Review status: criteria provided, single submitter. Criteria: Invitae Variant Classification Sherloc (09022015). Collection method: clinical testing. Allele origin: germline.